The following is an entry in ClinVar:

NM_032578.4(MYPN):c.3704C>A (p.Pro1235Gln)

Gene: MYPN (myopalladin; plus strand). Cytogenetic location: 10q21.3.
Variant type: single nucleotide variant.
Coding change: c.3704C>A on transcript NM_032578.4 (MANE Select); coding-DNA position 3704, C replaced by A.
Protein change: p.Pro1235Gln; replaces proline 1235 with glutamine.
Molecular consequence: missense variant. On other transcripts: non-coding transcript variant (2).
Genome position (GRCh38, 1-based): chr10:68,206,814, C>A. VCF-style: chr10-68206814-C-A. GRCh37 (hg19) VCF-style: chr10-69966571-C-A.
Other names: c.3704C>A, p.Pro1235Gln (NM_001256267.2); c.2822C>A, p.Pro941Gln (NM_001256268.2); c.3704C>A (NM_032578.2); short protein forms P1235Q, P941Q.
Identifiers: ClinVar variation 2191314 (VCV002191314.5), dbSNP rs770747268, ClinGen allele CA376828365.

ClinVar aggregate classification (germline): Uncertain significance. Review status: criteria provided, multiple submitters, no conflicts (2 of 4 stars). 2 submissions from 2 submitters: Uncertain significance (2). Last evaluated 2025-12-01.

Conditions:
Cardiovascular phenotype. Identifiers: MedGen CN230736.
Dilated cardiomyopathy 1KK (CMD1KK). Identifiers: Orphanet 154, Orphanet 75249, MedGen C3714995, MONDO:0014100, OMIM 615248.

Submissions (2):

Ambry Genetics
Classification: Uncertain significance for Cardiovascular phenotype. Last evaluated: 2025-12-01. Review status: criteria provided, single submitter. Criteria: Ambry Variant Classification Scheme 2023. Collection method: clinical testing. Allele origin: germline.
Comment: The p.P1235Q variant (also known as c.3704C>A), located in coding exon 18 of the MYPN gene, results from a C to A substitution at nucleotide position 3704. The proline at codon 1235 is replaced by glutamine, an amino acid with similar properties. This amino acid position is conserved. In addition, the in silico prediction for this alteration is inconclusive. Based on the available evidence, the clinical significance of this variant remains unclear.

Labcorp Genetics (formerly Invitae), Labcorp
Classification: Uncertain significance for Dilated cardiomyopathy 1KK. Last evaluated: 2022-07-15. Review status: criteria provided, single submitter. Criteria: Invitae Variant Classification Sherloc (09022015). Collection method: clinical testing. Allele origin: germline.
Comment: In summary, the available evidence is currently insufficient to determine the role of this variant in disease. Therefore, it has been classified as a Variant of Uncertain Significance. Algorithms developed to predict the effect of missense changes on protein structure and function are either unavailable or do not agree on the potential impact of this missense change (SIFT: "Deleterious"; PolyPhen-2: "Probably Damaging"; Align-GVGD: "Class C0"). This variant has not been reported in the literature in individuals affected with MYPN-related conditions. This variant is not present in population databases (gnomAD no frequency). This sequence change replaces proline, which is neutral and non-polar, with glutamine, which is neutral and polar, at codon 1235 of the MYPN protein (p.Pro1235Gln).